The following is an entry in ClinVar:

ClinVar aggregate classification (germline): Uncertain significance (1 of 4 stars; one submission).

Conditions:
Dyskeratosis congenita, autosomal recessive 6 (DKCB6). Identifiers: MedGen C4225356, MONDO:0014600, OMIM 616353.
Pulmonary fibrosis and/or bone marrow failure, Telomere-related, 4. Also called: PULMONARY FIBROSIS AND/OR BONE MARROW FAILURE SYNDROME, TELOMERE-RELATED, 4. Identifiers: Orphanet 2032, MedGen C4225347, MONDO:0014612, OMIM 616371.

Submission:

Labcorp Genetics (formerly Invitae), Labcorp
Classification: Uncertain significance for Dyskeratosis congenita, autosomal recessive 6; Pulmonary fibrosis and/or bone marrow failure, Telomere-related, 4. Last evaluated: 2023-06-23. Review status: criteria provided, single submitter. Criteria: Invitae Variant Classification Sherloc (09022015). Collection method: clinical testing. Allele origin: germline.
Comment: In summary, the available evidence is currently insufficient to determine the role of this variant in disease. Therefore, it has been classified as a Variant of Uncertain Significance. Experimental studies and prediction algorithms are not available or were not evaluated, and the functional significance of this variant is currently unknown. This variant has not been reported in the literature in individuals affected with PARN-related conditions. This variant is not present in population databases (gnomAD no frequency). This variant, c.15_17del, results in the deletion of 1 amino acid(s) of the PARN protein (p.Arg5del), but otherwise preserves the integrity of the reading frame.

NM_002582.4(PARN):c.15_17del (p.Arg5del)

Gene: PARN (poly(A)-specific ribonuclease; minus strand). Cytogenetic location: 16p13.12.
Variant type: Deletion.
Coding change: c.15_17del on transcript NM_002582.4 (MANE Select); coding-DNA positions 15 to 17, 3 bases deleted (GAG; older notation c.15_17delGAG).
Protein change: p.Arg5del; deletes arginine 5.
Molecular consequence: inframe deletion. On other transcripts: intron variant (1).
Genome position (GRCh38, 1-based): chr16:14,630,109-14,630,111, CTC deleted on the plus strand (GAG on the coding strand, the reverse complement: PARN is on the minus strand); deleting any 3 consecutive bases within chr16:14,630,109-14,630,113 gives the same sequence; the c. name uses the placement nearest the transcript's 3' end. VCF-style (leftmost placement, unchanged base first): chr16-14630108-GCTC-G. GRCh37 (hg19) VCF-style: chr16-14723965-GCTC-G.
Other names: c.-165+79_-165+81del (NM_001134477.3); c.15_17del, p.Arg5del (NM_001242992.2); short protein forms R5del.
Identifiers: ClinVar variation 2949227 (VCV002949227.3), dbSNP rs2508672236, ClinGen allele CA2631860436.